The following is an entry in ClinVar:

NM_024496.4(IRF2BPL):c.1228A>G (p.Lys410Glu)

Gene: IRF2BPL (interferon regulatory factor 2 binding protein like; minus strand). Cytogenetic location: 14q24.3.
Variant type: single nucleotide variant.
Coding change: c.1228A>G on transcript NM_024496.4 (MANE Select); coding-DNA position 1228, A replaced by G.
Protein change: p.Lys410Glu; replaces lysine 410 with glutamic acid.
Molecular consequence: missense variant.
Genome position (GRCh38, 1-based): chr14:77,026,565, T>C on the plus strand (A>G on the coding strand, the complement: IRF2BPL is on the minus strand). VCF-style: chr14-77026565-T-C. GRCh37 (hg19) VCF-style: chr14-77492908-T-C.
Other names: short protein forms K410E.
Identifiers: ClinVar variation 3363647 (VCV003363647.2).

ClinVar aggregate classification (germline): Uncertain significance (1 of 4 stars; one submission).

Submission:

GeneDx
Classification: Uncertain significance. Last evaluated: 2026-06-25. Review status: criteria provided, single submitter. Criteria: GeneDx Variant Classification Process June 2021. Collection method: clinical testing. Allele origin: germline.
Comment: Not observed at significant frequency in large population cohorts (gnomAD); In silico analysis suggests that this missense variant does not alter protein structure/function; Has not been previously published as pathogenic or benign to our knowledge